The following is an entry in ClinVar:

NM_018993.4(RIN2):c.327G>A (p.Glu109=)

Gene: RIN2 (Ras and Rab interactor 2; plus strand). Cytogenetic location: 20p11.23.
Variant type: single nucleotide variant.
Coding change: c.327G>A on transcript NM_018993.4 (MANE Select); coding-DNA position 327, G replaced by A.
Protein change: p.Glu109=; no amino-acid change (glutamic acid 109 retained).
Molecular consequence: synonymous variant. On other transcripts: 5 prime UTR variant (1).
Genome position (GRCh38, 1-based): chr20:19,956,783, G>A. VCF-style: chr20-19956783-G-A. GRCh37 (hg19) VCF-style: chr20-19937427-G-A.
Other names: c.474G>A (NM_001242581.1); c.474G>A, p.Glu158= (NM_001242581.2); c.-219G>A (NM_001378238.1).
Identifiers: ClinVar variation 3705311 (VCV003705311.3).

ClinVar aggregate classification (germline): Likely benign. Review status: criteria provided, multiple submitters, no conflicts (2 of 4 stars). 2 submissions from 2 submitters: Likely benign (2). Last evaluated 2025-09-01.

Conditions:
RIN2-related disorder. Also called: RIN2-related condition.

gnomAD v4.1: 65 of 1,594,456 alleles (0.0041%); highest among the groups gnomAD compares: Admixed American, 0.024%; no homozygotes.

Submissions (2):

Labcorp Genetics (formerly Invitae), Labcorp
Classification: Likely benign. Last evaluated: 2025-09-01. Review status: criteria provided, single submitter. Criteria: Invitae Variant Classification Sherloc (09022015). Collection method: clinical testing. Allele origin: germline.

PreventionGenetics, part of Exact Sciences
Classification: Likely benign for RIN2-related condition. Last evaluated: 2024-12-31. Review status: criteria provided, single submitter. Criteria: ACMG Guidelines, 2015. Collection method: clinical testing. Allele origin: germline.
Comment: This variant is classified as likely benign based on ACMG/AMP sequence variant interpretation guidelines (Richards et al. 2015 PMID: 25741868, with internal and published modifications).